The following is an entry in ClinVar:

ClinVar aggregate classification (germline): Uncertain significance (1 of 4 stars; one submission).

Allele frequency attached by ClinVar (database versions not stated): gnomAD exomes below 0.00001.

Submission:

Labcorp Genetics (formerly Invitae), Labcorp
Classification: Uncertain significance. Last evaluated: 2022-08-31. Review status: criteria provided, single submitter. Criteria: Invitae Variant Classification Sherloc (09022015). Collection method: clinical testing. Allele origin: germline.
Comment: In summary, the available evidence is currently insufficient to determine the role of this variant in disease. Therefore, it has been classified as a Variant of Uncertain Significance. Experimental studies and prediction algorithms are not available or were not evaluated, and the functional significance of this variant is currently unknown. This variant has not been reported in the literature in individuals affected with CPZ-related conditions. This variant is not present in population databases (gnomAD no frequency). This variant, c.1441_1443del, results in the deletion of 1 amino acid(s) of the CPZ protein (p.Lys481del), but otherwise preserves the integrity of the reading frame.

NM_001014447.3(CPZ):c.1474_1476del (p.Lys492del)

Gene: CPZ (carboxypeptidase Z; plus strand). Cytogenetic location: 4p16.1.
Variant type: Deletion.
Coding change: c.1474_1476del on transcript NM_001014447.3 (MANE Select); coding-DNA positions 1474 to 1476, 3 bases deleted (AAG; older notation c.1474_1476delAAG).
Protein change: p.Lys492del; deletes lysine 492.
Molecular consequence: inframe deletion.
Genome position (GRCh38, 1-based): chr4:8,614,469-8,614,471, AAG deleted. VCF-style (leftmost placement, unchanged base first): chr4-8614468-CAAG-C. GRCh37 (hg19) VCF-style: chr4-8616195-CAAG-C.
Other names: c.1063_1065del, p.Lys355del (NM_001014448.3); c.1441_1443del, p.Lys481del (NM_003652.4); short protein forms K355del, K492del, K481del.
Identifiers: ClinVar variation 2027816 (VCV002027816.4), dbSNP rs2474331304, ClinGen allele CA2580071780.